The following is an entry in ClinVar:

NM_173660.5(DOK7):c.518C>G (p.Thr173Ser)

Gene: DOK7 (docking protein 7; plus strand). Cytogenetic location: 4p16.3.
Variant type: single nucleotide variant.
Coding change: c.518C>G on transcript NM_173660.5 (MANE Select); coding-DNA position 518, C replaced by G.
Protein change: p.Thr173Ser; replaces threonine 173 with serine.
Molecular consequence: missense variant. On other transcripts: intron variant (1).
Genome position (GRCh38, 1-based): chr4:3,476,528, C>G. VCF-style: chr4-3476528-C-G. GRCh37 (hg19) VCF-style: chr4-3478255-C-G.
Other names: c.518C>G, p.Thr173Ser (NM_001164673.2, NM_001301071.2); c.101-9011C>G (NM_001363811.2); short protein forms T173S.
Identifiers: ClinVar variation 1993862 (VCV001993862.4), dbSNP rs2475009396, ClinGen allele CA356114496.

ClinVar aggregate classification (germline): Uncertain significance (1 of 4 stars; one submission).

Conditions:
Fetal akinesia deformation sequence 1 (FADS1). Also called: Pena-Shokeir syndrome type I; Fetal akinesia sequence. Identifiers: Orphanet 994, MedGen C1276035, MONDO:0100101, OMIM 208150, HP:0001989.
Congenital myasthenic syndrome 10. Also called: Myasthenia, limb-girdle, familial. Identifiers: Orphanet 590, MedGen C1850792, MONDO:0009690, OMIM 254300.

Submission:

Labcorp Genetics (formerly Invitae), Labcorp
Classification: Uncertain significance for Congenital myasthenic syndrome 10; Fetal akinesia deformation sequence 1. Last evaluated: 2025-10-02. Review status: criteria provided, single submitter. Criteria: Invitae Variant Classification Sherloc (09022015). Collection method: clinical testing. Allele origin: germline.
Comment: This sequence change replaces threonine, which is neutral and polar, with serine, which is neutral and polar, at codon 173 of the DOK7 protein (p.Thr173Ser). This variant is not present in population databases (gnomAD no frequency). This variant has not been reported in the literature in individuals affected with DOK7-related conditions. ClinVar contains an entry for this variant (Variation ID: 1993862). Invitae Evidence Modeling of protein sequence and biophysical properties (such as structural, functional, and spatial information, amino acid conservation, physicochemical variation, residue mobility, and thermodynamic stability) indicates that this missense variant is not expected to disrupt DOK7 protein function with a negative predictive value of 80%. In summary, the available evidence is currently insufficient to determine the role of this variant in disease. Therefore, it has been classified as a Variant of Uncertain Significance.